The following is an entry in ClinVar:

NM_014639.4(SKIC3):c.2494G>T (p.Gly832Cys)

Gene: SKIC3 (SKI3 subunit of superkiller complex; minus strand). Cytogenetic location: 5q15.
Variant type: single nucleotide variant.
Coding change: c.2494G>T on transcript NM_014639.4 (MANE Select); coding-DNA position 2494, G replaced by T.
Protein change: p.Gly832Cys; replaces glycine 832 with cysteine.
Molecular consequence: missense variant.
Genome position (GRCh38, 1-based): chr5:95,516,693, C>A on the plus strand (G>T on the coding strand, the complement: SKIC3 is on the minus strand). VCF-style: chr5-95516693-C-A. GRCh37 (hg19) VCF-style: chr5-94852397-C-A.
Other names: short protein forms G832C.
Identifiers: ClinVar variation 689649 (VCV000689649.3), dbSNP rs1347862457, ClinGen allele CA360458100.

ClinVar aggregate classification (germline): Uncertain significance. Review status: criteria provided, multiple submitters, no conflicts (2 of 4 stars). 2 submissions from 2 submitters: Uncertain significance (2). Last evaluated 2022-04-21.

Conditions:
Trichohepatoenteric syndrome 1 (THES1). Also called: DIARRHEA, FATAL INFANTILE, WITH TRICHORRHEXIS NODOSA. Identifiers: Orphanet 84064, MedGen C4551982, MONDO:0024541, OMIM 222470.

Allele frequency attached by ClinVar (database versions not stated): TOPMed below 0.00001.
gnomAD v4.1: 3 of 1,613,284 alleles (0.00019%); highest among the groups gnomAD compares: African/African-American, 0.0013%; no homozygotes.

Submissions (2):

GeneDx
Classification: Uncertain significance. Last evaluated: 2022-04-21. Review status: criteria provided, single submitter. Criteria: GeneDx Variant Classification Process June 2021. Collection method: clinical testing. Allele origin: germline. Affected: yes.
Comment: Not observed at significant frequency in large population cohorts (gnomAD); In silico analysis supports that this missense variant has a deleterious effect on protein structure/function; Has not been previously published as pathogenic or benign to our knowledge

HudsonAlpha Institute for Biotechnology
Classification: Uncertain significance for Trichohepatoenteric syndrome 1. Last evaluated: 2019-07-03. Review status: criteria provided, single submitter. Criteria: ACMG Guidelines, 2015. Collection method: research. Allele origin: unknown. Affected: yes. Observed: 1 variant allele. Study: HudsonAlpha-PGEN.